The following is an entry in ClinVar:

ClinVar aggregate classification (germline): Pathogenic (1 of 4 stars; one submission).

Conditions:
Hereditary cancer-predisposing syndrome. Also called: Neoplastic Syndromes, Hereditary; Tumor predisposition; Hereditary Cancer Syndrome; Hereditary neoplastic syndrome. Identifiers: Orphanet 140162, MedGen C0027672, MeSH D009386, MONDO:0015356.

Submission:

Ambry Genetics
Classification: Pathogenic for Hereditary cancer-predisposing syndrome. Last evaluated: 2018-06-02. Review status: criteria provided, single submitter. Criteria: Ambry Variant Classification Scheme 2023. Collection method: clinical testing. Allele origin: germline.
Comment: The c.242delA pathogenic mutation, located in coding exon 1 of the STK11 gene, results from a deletion of one nucleotide at nucleotide position 242, causing a translational frameshift with a predicted alternate stop codon (p.K81Rfs*15). This alteration is expected to result in loss of function by premature protein truncation or nonsense-mediated mRNA decay. As such, this alteration is interpreted as a disease-causing mutation.

NM_000455.5(STK11):c.242del (p.Lys81fs)

Gene: STK11 (serine/threonine kinase 11; plus strand). Cytogenetic location: 19p13.3.
Variant type: Deletion.
Coding change: c.242del on transcript NM_000455.5 (MANE Select); coding-DNA position 242, one base deleted (A; older notation c.242delA).
Protein change: p.Lys81fs; shifts the reading frame from lysine 81.
Molecular consequence: frameshift variant.
Genome position (GRCh38, 1-based): chr19:1,207,155, A deleted; the last of 2 consecutive A bases (chr19:1,207,154-1,207,155); deleting either gives the same sequence. VCF-style (leftmost placement, unchanged base first): chr19-1207153-CA-C. GRCh37 (hg19) VCF-style: chr19-1207152-CA-C.
Other names: short protein forms K81fs.
Identifiers: ClinVar variation 821260 (VCV000821260.4), dbSNP rs1599915235, ClinGen allele CA915951609.